The following is an entry in ClinVar:

ClinVar aggregate classification (germline): Pathogenic (1 of 4 stars; one submission).

Conditions:
Lynch syndrome 5 (LYNCH5). Also called: Hereditary non-polyposis colorectal cancer, type 5; Colorectal cancer, hereditary nonpolyposis, type 5. Identifiers: Orphanet 144, MedGen C1833477, MONDO:0013710, OMIM 614350. Disease mechanism: loss of function.

Submission:

Myriad Genetics, Inc.
Classification: Pathogenic for Lynch syndrome 5. Last evaluated: 2024-05-03. Review status: criteria provided, single submitter. Criteria: Myriad Autosomal Dominant, Autosomal Recessive and X-Linked Classification Criteria (2023). Collection method: clinical testing. Allele origin: unknown.
Comment: This variant is considered pathogenic. This variant creates a frameshift predicted to result in premature protein truncation.

NM_000179.3(MSH6):c.2614dup (p.Ile872fs)

Gene: MSH6 (mutS homolog 6; plus strand). Cytogenetic location: 2p16.3.
Variant type: Duplication.
Coding change: c.2614dup on transcript NM_000179.3 (MANE Select); coding-DNA position 2614, one base duplicated (A; older notation c.2614dupA).
Protein change: p.Ile872fs; shifts the reading frame from isoleucine 872.
Molecular consequence: frameshift variant. On other transcripts: non-coding transcript variant (5), intron variant (3).
Genome position (GRCh38, 1-based): chr2:47,800,597, A duplicated. VCF-style (leftmost placement, unchanged base first): chr2-47800596-T-TA. GRCh37 (hg19) VCF-style: chr2-48027735-T-TA.
Other names: c.2224dup, p.Ile742fs (NM_001281492.2); c.1708dup, p.Ile570fs (NM_001281493.2, NM_001281494.2, NM_001406811.1 and 6 more transcripts); c.2710dup, p.Ile904fs (NM_001406795.1, NM_001406802.1); c.2614dup, p.Ile872fs (NM_001406796.1, NM_001406798.1, NM_001406800.1 and 2 more transcripts); c.2317dup, p.Ile773fs (NM_001406797.1, NM_001406801.1, NM_001406805.1 and 10 more transcripts); c.2089dup, p.Ile697fs (NM_001406799.1, NM_001406806.1, NM_001406807.1); c.2536dup, p.Ile846fs (NM_001406804.1); c.2620dup, p.Ile874fs (NM_001406813.1); and 4 more; short protein forms I570fs, I697fs, I742fs, I773fs, I816fs, I846fs, I872fs, I874fs.
Identifiers: ClinVar variation 3254381 (VCV003254381.1), dbSNP rs2530683190.